The following is an entry in ClinVar:

ClinVar aggregate classification (germline): Uncertain significance (1 of 4 stars; one submission).

gnomAD v4.1: 1 of 1,511,208 alleles (0.000066%); highest among the groups gnomAD compares: Non-Finnish European, 0.000089%; no homozygotes.

Submission:

GeneDx
Classification: Uncertain significance. Last evaluated: 2024-04-21. Review status: criteria provided, single submitter. Criteria: GeneDx Variant Classification Process June 2021. Collection method: clinical testing. Allele origin: germline. Affected: yes.
Comment: Not observed at significant frequency in large population cohorts (gnomAD); In silico analysis supports that this missense variant has a deleterious effect on protein structure/function; Has not been previously published as pathogenic or benign to our knowledge

NM_001367561.1(DOCK7):c.2107C>A (p.Pro703Thr)

Gene: DOCK7 (dedicator of cytokinesis 7; minus strand). Cytogenetic location: 1p31.3.
Variant type: single nucleotide variant.
Coding change: c.2107C>A on transcript NM_001367561.1 (MANE Select); coding-DNA position 2107, C replaced by A.
Protein change: p.Pro703Thr; replaces proline 703 with threonine.
Molecular consequence: missense variant.
Genome position (GRCh38, 1-based): chr1:62,577,267, G>T on the plus strand (C>A on the coding strand, the complement: DOCK7 is on the minus strand). VCF-style: chr1-62577267-G-T. GRCh37 (hg19) VCF-style: chr1-63042938-G-T.
Other names: c.2107C>A, p.Pro703Thr (NM_001271999.2, NM_001272000.2, NM_001272001.2 and 2 more transcripts); short protein forms P703T.
Identifiers: ClinVar variation 3372708 (VCV003372708.1).
Genomic context (GRCh38, chr1:62,577,267, plus strand): 5'-TAGTAAAAAACCCATTTCATTCAATCTGGAGAAAGTCAACATGGGAGACACTGACCTCAG[G>T]AGACAGTACAGAATAAGCCTGTGGTGGTTTTTCCAATGAGACTGGCAAGCAAAACTGGCC-3'
Protein context (NP_001354490.1, residues 693-713): KPPQAYSVLS[Pro703Thr]EVPLPGMKWV